The following is an entry in ClinVar:

ClinVar aggregate classification (germline): Conflicting classifications of pathogenicity. Review status: criteria provided, conflicting classifications (1 of 4 stars). 2 submissions from 2 submitters: Uncertain significance (1); Benign (1). Last evaluated 2024-02-22.

Conditions:
Primary ciliary dyskinesia. Also called: Ciliary dyskinesia. Identifiers: Orphanet 244, MedGen C0008780, MONDO:0016575, HP:0012265.

Allele frequency attached by ClinVar (database versions not stated): gnomAD exomes below 0.00001; TOPMed 0.00001; ExAC 0.00002; gnomAD 0.00003.
gnomAD v4.1: 5 of 1,595,498 alleles (0.00031%); highest among the groups gnomAD compares: African/African-American, 0.0054%; no homozygotes.

Submissions (2):

Labcorp Genetics (formerly Invitae), Labcorp
Classification: Benign for Primary ciliary dyskinesia. Last evaluated: 2024-02-22. Review status: criteria provided, single submitter. Criteria: Invitae Variant Classification Sherloc (09022015). Collection method: clinical testing. Allele origin: germline.

Ambry Genetics
Classification: Uncertain significance for Primary ciliary dyskinesia. Last evaluated: 2023-10-23. Review status: criteria provided, single submitter. Criteria: Ambry Variant Classification Scheme 2023. Collection method: clinical testing. Allele origin: germline.
Comment: The p.P213S variant (also known as c.637C>T), located in coding exon 3 of the DNAH11 gene, results from a C to T substitution at nucleotide position 637. The proline at codon 213 is replaced by serine, an amino acid with similar properties. This amino acid position is conserved. In addition, this alteration is predicted to be tolerated by in silico analysis. Since supporting evidence is limited at this time, the clinical significance of this alteration remains unclear.

NM_001277115.2(DNAH11):c.637C>T (p.Pro213Ser)

Gene: DNAH11 (dynein axonemal heavy chain 11; plus strand). Cytogenetic location: 7p15.3.
Variant type: single nucleotide variant.
Coding change: c.637C>T on transcript NM_001277115.2 (MANE Select); coding-DNA position 637, C replaced by T.
Protein change: p.Pro213Ser; replaces proline 213 with serine.
Molecular consequence: missense variant.
Genome position (GRCh38, 1-based): chr7:21,558,943, C>T. VCF-style: chr7-21558943-C-T. GRCh37 (hg19) VCF-style: chr7-21598561-C-T.
Other names: c.637C>T, p.Pro213Ser (NM_003777.3); short protein forms P213S.
Identifiers: ClinVar variation 3221490 (VCV003221490.3), dbSNP rs753456838, ClinGen allele CA4178728.